The following is an entry in ClinVar:

ClinVar aggregate classification (germline): Uncertain significance. Review status: criteria provided, multiple submitters, no conflicts (2 of 4 stars). 2 submissions from 2 submitters: Uncertain significance (2). Last evaluated 2023-07-03.

Submissions (2):

Labcorp Genetics (formerly Invitae), Labcorp
Classification: Uncertain significance. Last evaluated: 2023-07-03. Review status: criteria provided, single submitter. Criteria: Invitae Variant Classification Sherloc (09022015). Collection method: clinical testing. Allele origin: germline.
Comment: In summary, the available evidence is currently insufficient to determine the role of this variant in disease. Therefore, it has been classified as a Variant of Uncertain Significance. An algorithm developed to predict the effect of missense changes on protein structure and function (PolyPhen-2) suggests that this variant is likely to be tolerated. ClinVar contains an entry for this variant (Variation ID: 1911297). This variant has not been reported in the literature in individuals affected with RP1-related conditions. This variant is present in population databases (no rsID available, gnomAD 0.002%). This sequence change replaces isoleucine, which is neutral and non-polar, with tyrosine, which is neutral and polar, at codon 825 of the RP1 protein (p.Ile825Tyr).

Blueprint Genetics
Classification: Uncertain significance. Last evaluated: 2019-03-29. Review status: criteria provided, single submitter. Criteria: ACMG Guidelines, 2015. Collection method: clinical testing. Allele origin: germline.

NM_006269.2(RP1):c.2473_2474delinsTA (p.Ile825Tyr)

Gene: RP1 (RP1 axonemal microtubule associated; plus strand). Cytogenetic location: 8q12.1.
Variant type: Indel.
Coding change: c.2473_2474delinsTA on transcript NM_006269.2 (MANE Select); coding-DNA positions 2473 to 2474, AT replaced by TA.
Protein change: p.Ile825Tyr; replaces isoleucine 825 with tyrosine.
Molecular consequence: missense variant. On other transcripts: intron variant (1).
Genome position (GRCh38, 1-based): chr8:54,626,355-54,626,356, AT replaced by TA. VCF-style: chr8-54626355-AT-TA. GRCh37 (hg19) VCF-style: chr8-55538915-AT-TA.
Other names: c.787+4067_787+4068delinsTA (NM_001375654.1); short protein forms I825Y.
Identifiers: ClinVar variation 1911297 (VCV001911297.6), dbSNP rs2536575095, ClinGen allele CA2580078393.